The following is an entry in ClinVar:

ClinVar aggregate classification (germline): Pathogenic (1 of 4 stars; one submission).

Submission:

Labcorp Genetics (formerly Invitae), Labcorp
Classification: Pathogenic. Last evaluated: 2022-03-11. Review status: criteria provided, single submitter. Criteria: Invitae Variant Classification Sherloc (09022015). Collection method: clinical testing. Allele origin: germline.
Comment: For these reasons, this variant has been classified as Pathogenic. This variant has not been reported in the literature in individuals affected with GNAS-related conditions. This variant is not present in population databases (gnomAD no frequency). This sequence change creates a premature translational stop signal (p.Val159Glufs*14) in the GNAS gene. It is expected to result in an absent or disrupted protein product. Loss-of-function variants in GNAS are known to be pathogenic (PMID: 11784876, 23281139, 23796510, 25802881).

Literature cited by the submitters: PubMed 11784876; PubMed 23281139; PubMed 23796510; PubMed 25802881.

NM_000516.7(GNAS):c.474_475dup (p.Val159fs)

Gene: GNAS (GNAS complex locus; plus strand). Cytogenetic location: 20q13.32.
Variant type: Duplication.
Coding change: c.474_475dup on transcript NM_000516.7 (MANE Select); coding-DNA positions 474 to 475, 2 bases duplicated (AG; older notation c.474_475dupAG).
Protein change: p.Val159fs; shifts the reading frame from valine 159.
Molecular consequence: frameshift variant. On other transcripts: 3 prime UTR variant (2).
Genome position (GRCh38, 1-based): chr20:58,905,424-58,905,425, AG duplicated; duplicating any 2 consecutive bases within chr20:58,905,423-58,905,425 gives the same sequence; the c. name uses the placement nearest the transcript's 3' end. VCF-style (leftmost placement, unchanged base first): chr20-58905422-G-GGA. GRCh37 (hg19) VCF-style: chr20-57480477-G-GGA.
Other names: c.477_478dup, p.Val160fs (NM_001077488.5); c.429_430dup, p.Val144fs (NM_001077489.4); c.*335_*336dup (NM_001077490.3); c.297_298dup, p.Val100fs (NM_001309840.2, NM_001309861.2); c.378_379dup, p.Val127Glufs (NM_001410912.1); c.2358_2359dup, p.Val787Glufs (NM_001410913.1); c.*380_*381dup (NM_016592.5); c.2403_2404dup, p.Val802fs (NM_080425.4); and 1 more; short protein forms V100fs, V159fs, V802fs, V145fs, V144fs, V160fs.
Identifiers: ClinVar variation 2108845 (VCV002108845.4), dbSNP rs2517135415, ClinGen allele CA2580098314.
Genomic context (GRCh38, chr20:58,905,422, plus strand): 5'-CTTTCTTGTGTTCACTTTCAGGAATTCTATGAGCATGCCAAGGCTCTGTGGGAGGATGAA[G>GGA]GAGTGCGTGCCTGCTACGAACGCTCCAACGAGTACCAGCTGATTGACTGTGCCCAGTAGT-3'